The following is an entry in ClinVar:

ClinVar aggregate classification (germline): Pathogenic (1 of 4 stars; one submission).

Conditions:
Inborn genetic diseases. Identifiers: MedGen C0950123, MeSH D030342.

Submission:

Ambry Genetics
Classification: Pathogenic for Inborn genetic diseases. Last evaluated: 2022-05-24. Review status: criteria provided, single submitter. Criteria: Ambry Variant Classification Scheme 2023. Collection method: clinical testing. Allele origin: germline.
Comment: The c.2116_2117delCCinsT (p.P706Sfs*61) alteration, located in exon 1 (coding exon 1) of the IRF2BPL gene, consists of a deletion of 2 nucleotides and insertion of 1 nucleotide causing a translational frameshift at position 2116 with a predicted alternate stop codon after 61 amino acids. Premature stop codons are typically deleterious in nature; however, because IRF2BPL is a single-exon gene this alteration is not expected to trigger nonsense-mediated mRNA decay and a truncated protein could still be expressed (Maquat, 2004). This alteration removes the last 90 amino acids of the protein and the exact functional impact of these amino acids is unknown at this time; however, structural analysis suggests this variant disrupts a functional motif. This variant was not reported in population-based cohorts in the Genome Aggregation Database (gnomAD). Based on the available evidence, this alteration is classified as pathogenic.

NM_024496.4(IRF2BPL):c.2116_2117delinsT (p.Pro706fs)

Gene: IRF2BPL (interferon regulatory factor 2 binding protein like; minus strand). Cytogenetic location: 14q24.3.
Variant type: Indel.
Coding change: c.2116_2117delinsT on transcript NM_024496.4 (MANE Select); coding-DNA positions 2116 to 2117, CC replaced by T.
Protein change: p.Pro706fs; shifts the reading frame from proline 706.
Molecular consequence: frameshift variant.
Genome position (GRCh38, 1-based): chr14:77,025,676-77,025,677, GG replaced by A on the plus strand (CC replaced by T on the coding strand, the reverse complement: IRF2BPL is on the minus strand). VCF-style: chr14-77025676-GG-A. GRCh37 (hg19) VCF-style: chr14-77492019-GG-A.
Other names: short protein forms P706fs.
Identifiers: ClinVar variation 2284511 (VCV002284511.2), dbSNP rs2503074426, ClinGen allele CA2580088795.
Genomic context (GRCh38, chr14:77,025,676, plus strand): 5'-TGCGTATCCTCCAAACGTTCGTGGCAAATGGTGCAGCAGAGGGGTCCGCTGTTGGCCATG[GG>A]GGAATCCGGAATGTTTTGGGGGTGCACTTGGTCCATGCCCGGGTGGGCGCTAGGCGGCGG-3'